The following is an entry in ClinVar:

ClinVar aggregate classification (germline): Uncertain significance (1 of 4 stars; one submission).

Allele frequency attached by ClinVar (database versions not stated): gnomAD exomes below 0.00001; TOPMed below 0.00001.
gnomAD v4.1: 1 of 1,612,678 alleles (0.000062%); highest among the groups gnomAD compares: African/African-American, 0.0013%; no homozygotes.

Submission:

GeneDx
Classification: Uncertain significance. Last evaluated: 2025-07-07. Review status: criteria provided, single submitter. Criteria: GeneDx Variant Classification Process June 2021. Collection method: clinical testing. Allele origin: germline. Affected: yes.
Comment: See Variant Classification Assertion Criteria.

NM_001267550.2(TTN):c.47458G>C (p.Val15820Leu)

Genes: TTN (titin; minus strand), TTN-AS1 (TTN antisense RNA 1; plus strand). Cytogenetic location: 2q31.2.
Variant type: single nucleotide variant.
Coding change: c.47458G>C on transcript NM_001267550.2 (MANE Select); coding-DNA position 47458, G replaced by C.
Protein change: p.Val15820Leu; replaces valine 15820 with leucine.
Molecular consequence: missense variant.
Genome position (GRCh38, 1-based): chr2:178,617,893, C>G on the plus strand (G>C on the coding strand, the complement: TTN is on the minus strand). VCF-style: chr2-178617893-C-G. GRCh37 (hg19) VCF-style: chr2-179482620-C-G.
Other names: c.42535G>C, p.Val14179Leu (NM_001256850.1); c.20263G>C, p.Val6755Leu (NM_003319.4); c.39754G>C, p.Val13252Leu (NM_133378.4); c.20638G>C, p.Val6880Leu (NM_133432.3); c.20839G>C, p.Val6947Leu (NM_133437.4); c.47458G>C (NM_001267550.1); short protein forms V14179L, V15820L, V6947L, V13252L, V6880L, V6755L.
Identifiers: ClinVar variation 508445 (VCV000508445.2), dbSNP rs1553710237, ClinGen allele CA349616870.